The following is an entry in ClinVar:

NM_007294.4(BRCA1):c.1952dup (p.Lys652fs)

Gene: BRCA1 (BRCA1 DNA repair associated; minus strand). Cytogenetic location: 17q21.31.
Variant type: Duplication.
Coding change: c.1952dup on transcript NM_007294.4 (MANE Select); coding-DNA position 1952, one base duplicated (A; older notation c.1952dupA).
Protein change: p.Lys652fs; shifts the reading frame from lysine 652.
Molecular consequence: frameshift variant. On other transcripts: intron variant (137).
Genome position (GRCh38, 1-based): chr17:43,093,579, T duplicated on the plus strand (A on the coding strand, the reverse complement: BRCA1 is on the minus strand); the first of 3 consecutive T bases (chr17:43,093,579-43,093,581); duplicating any one gives the same sequence. VCF-style (leftmost placement, unchanged base first): chr17-43093578-C-CT. GRCh37 (hg19) VCF-style: chr17-41245595-C-CT.
Other names: 2071insA; c.1952dupA (NM_007294.3); c.1808dup, p.Lys604fs (NM_001407745.1, NM_001407746.1, NM_001407747.1 and 20 more transcripts); c.1811dup, p.Lys605fs (NM_001407750.1, NM_001407751.1, NM_001407752.1 and 29 more transcripts); c.1739dup, p.Lys581fs (NM_001407853.1, NM_001407894.1, NM_001407895.1 and 9 more transcripts); c.1952dup, p.Lys652fs (NM_001407854.1, NM_001407858.1, NM_001407859.1 and 30 more transcripts); c.1949dup, p.Lys651fs (NM_001407860.1, NM_001407861.1, NM_001407587.1 and 22 more transcripts); c.1751dup, p.Lys585fs (NM_001407862.1); and 42 more; short protein forms K605fs, K652fs, K610fs, K611fs, K484fs, K541fs, K563fs, K582fs.
Identifiers: ClinVar variation 54411 (VCV000054411.11), dbSNP rs80357885, ClinGen allele CA001290.
Genomic context (GRCh38, chr17:43,093,578, plus strand): 5'-ACCTTCCATGAGTTGTAGGTTTCTGCTGTGCCTGACTGGCATTTGGTTGTACTTTTTTTT[C>CT]TTTATCTCTTCACTGCTAGAACAACTATCAATTTGCAATTCAGTACAATTAGGTGGGCTT-3'

ClinVar aggregate classification (germline): Pathogenic. Review status: reviewed by expert panel (3 of 4 stars). 6 submissions from 6 submitters: Pathogenic (1). 5 of the submissions do not count toward it. Last evaluated 2016-09-08.

Conditions:
Hereditary breast ovarian cancer syndrome. Also called: Hereditary breast and ovarian cancer syndrome (HBOC); Hereditary breast and ovarian cancer syndrome; Hereditary breast and ovarian cancer; Hereditary breast and/or ovarian cancer syndrome; Breast and ovarian cancer; BRCA1- and BRCA2-Associated Hereditary Breast and Ovarian Cancer. Identifiers: Orphanet 145, MedGen C0677776, MeSH D061325, MONDO:0003582. Disease mechanism: loss of function.
Breast-ovarian cancer, familial, susceptibility to, 1 (BROVCA1). Also called: OVARIAN CANCER, SUSCEPTIBILITY TO; BRCA1 Hereditary Breast and Ovarian Cancer. Identifiers: Orphanet 145, MedGen C2676676, MONDO:0011450, OMIM 604370. Disease mechanism: loss of function.

Submissions (6):

Evidence-based Network for the Interpretation of Germline Mutant Alleles (ENIGMA)
Classification: Pathogenic for Breast-ovarian cancer, familial, susceptibility to, 1. Last evaluated: 2016-09-08. Review status: reviewed by expert panel. Criteria: ENIGMA BRCA1/2 Classification Criteria (2015). Collection method: curation. Allele origin: germline.
Comment: Variant allele predicted to encode a truncated non-functional protein.

Labcorp Genetics (formerly Invitae), Labcorp
Classification: Pathogenic for Hereditary breast ovarian cancer syndrome. Last evaluated: 2024-07-05. Review status: criteria provided, single submitter. Criteria: Invitae Variant Classification Sherloc (09022015). Collection method: clinical testing. Allele origin: germline. Not counted in ClinVar's aggregate classification.
Comment: This sequence change creates a premature translational stop signal (p.Lys652Glufs*21) in the BRCA1 gene. It is expected to result in an absent or disrupted protein product. Loss-of-function variants in BRCA1 are known to be pathogenic (PMID: 20104584). This variant is not present in population databases (gnomAD no frequency). This premature translational stop signal has been observed in individual(s) with breast or ovarian cancer (PMID: 25633036, 26439132, 26577449, 29215753, 30972954). This variant is also known as 2071insA. ClinVar contains an entry for this variant (Variation ID: 54411). For these reasons, this variant has been classified as Pathogenic.

Clinical Genetics Laboratory, Skane University Hospital Lund
Classification: Pathogenic. Last evaluated: 2022-05-27. Review status: criteria provided, single submitter. Criteria: ACMG Guidelines, 2015. Collection method: clinical testing. Allele origin: germline. Affected: yes. Not counted in ClinVar's aggregate classification.

Consortium of Investigators of Modifiers of BRCA1/2 (CIMBA), c/o University of Cambridge
Classification: Pathogenic for Breast-ovarian cancer, familial, susceptibility to, 1. Last evaluated: 2015-10-02. Review status: criteria provided, single submitter. Criteria: CIMBA Mutation Classification guidelines May 2016. Collection method: clinical testing. Allele origin: germline. Not counted in ClinVar's aggregate classification.

Research Molecular Genetics Laboratory, Women's College Hospital, University of Toronto
Classification: Pathogenic for Hereditary breast ovarian cancer syndrome. Last evaluated: 2014-01-31. Review status: no assertion criteria provided. Collection method: research. Allele origin: germline. Affected: yes. Study: The Canadian Open Genetics Repository (COGR). Not counted in ClinVar's aggregate classification.

Breast Cancer Information Core (BIC) (BRCA1)
Classification: Pathogenic for Breast-ovarian cancer, familial 1. Last evaluated: 1997-11-14. Review status: no assertion criteria provided. Collection method: clinical testing. Allele origin: germline. Affected: yes. Observed: 2 variant alleles. Not counted in ClinVar's aggregate classification.

Literature cited by the submitters: PubMed 20104584 (cited by Labcorp Genetics (formerly Invitae), Labcorp); PubMed 25633036 (cited by Labcorp Genetics (formerly Invitae), Labcorp); PubMed 26439132 (cited by Labcorp Genetics (formerly Invitae), Labcorp); PubMed 26577449 (cited by Labcorp Genetics (formerly Invitae), Labcorp); PubMed 29215753 (cited by Labcorp Genetics (formerly Invitae), Labcorp); PubMed 30972954 (cited by Labcorp Genetics (formerly Invitae), Labcorp).